The following is an entry in ClinVar:

ClinVar aggregate classification (germline): Uncertain significance. Review status: criteria provided, multiple submitters, no conflicts (2 of 4 stars). 2 submissions from 2 submitters: Uncertain significance (2). Last evaluated 2025-08-27.

Conditions:
Familial adenomatous polyposis 2. Also called: MYH-associated polyposis; FAP type 2; MUTYH-related attenuated familial adenomatous polyposis; Adenomas, multiple colorectal; ADENOMAS, MULTIPLE COLORECTAL, AUTOSOMAL RECESSIVE; MUTYH Polyposis. Identifiers: Orphanet 220460, Orphanet 247798, MedGen C3272841, MONDO:0012041, OMIM 608456.
Hereditary cancer-predisposing syndrome. Also called: Neoplastic Syndromes, Hereditary; Hereditary neoplastic syndrome; Tumor predisposition; Hereditary Cancer Syndrome. Identifiers: Orphanet 140162, MedGen C0027672, MeSH D009386, MONDO:0015356.

Submissions (2):

Ambry Genetics
Classification: Uncertain significance for Hereditary cancer-predisposing syndrome. Last evaluated: 2025-08-27. Review status: criteria provided, single submitter. Criteria: Ambry Variant Classification Scheme 2023. Collection method: clinical testing. Allele origin: germline.
Comment: The p.D540E variant (also known as c.1620T>G), located in coding exon 16 of the MUTYH gene, results from a T to G substitution at nucleotide position 1620. The aspartic acid at codon 540 is replaced by glutamic acid, an amino acid with highly similar properties. This amino acid position is conserved. In addition, this alteration is predicted to be tolerated by in silico analysis. Based on the available evidence, the clinical significance of this variant remains unclear.

Labcorp Genetics (formerly Invitae), Labcorp
Classification: Uncertain significance for Familial adenomatous polyposis 2. Last evaluated: 2022-03-23. Review status: criteria provided, single submitter. Criteria: Invitae Variant Classification Sherloc (09022015). Collection method: clinical testing. Allele origin: germline.
Comment: In summary, the available evidence is currently insufficient to determine the role of this variant in disease. Therefore, it has been classified as a Variant of Uncertain Significance. Algorithms developed to predict the effect of missense changes on protein structure and function (SIFT, PolyPhen-2, Align-GVGD) all suggest that this variant is likely to be tolerated. ClinVar contains an entry for this variant (Variation ID: 861057). This variant has not been reported in the literature in individuals affected with MUTYH-related conditions. This variant is not present in population databases (gnomAD no frequency). This sequence change replaces aspartic acid, which is acidic and polar, with glutamic acid, which is acidic and polar, at codon 540 of the MUTYH protein (p.Asp540Glu).

NM_001048174.2(MUTYH):c.1536T>G (p.Asp512Glu)

Gene: MUTYH (mutY DNA glycosylase; minus strand). Cytogenetic location: 1p34.1.
Variant type: single nucleotide variant.
Coding change: c.1536T>G on transcript NM_001048174.2 (MANE Select); coding-DNA position 1536, T replaced by G.
Protein change: p.Asp512Glu; replaces aspartic acid 512 with glutamic acid.
Molecular consequence: missense variant. On other transcripts: non-coding transcript variant (2).
Genome position (GRCh38, 1-based): chr1:45,329,336, A>C on the plus strand (T>G on the coding strand, the complement: MUTYH is on the minus strand). VCF-style: chr1-45329336-A-C. GRCh37 (hg19) VCF-style: chr1-45795008-A-C.
Other names: c.1536T>G, p.Asp512Glu (NM_001048171.2, NM_001048173.2, NM_001293195.2); c.1539T>G, p.Asp513Glu (NM_001048172.2); c.1620T>G, p.Asp540Glu (NM_001128425.2); c.1581T>G, p.Asp527Glu (NM_001293190.2); c.1569T>G, p.Asp523Glu (NM_001293191.2); c.1260T>G, p.Asp420Glu (NM_001293192.2, NM_001293196.2); c.1191T>G, p.Asp397Glu (NM_001350650.2, NM_001350651.2); c.1611T>G, p.Asp537Glu (NM_012222.3); short protein forms D397E, D420E, D537E, D513E, D527E, D512E, D523E, D540E.
Identifiers: ClinVar variation 861057 (VCV000861057.10), dbSNP rs1570310709, ClinGen allele CA340131566.
Genomic context (GRCh38, chr1:45,329,336, plus strand): 5'-ATTCTCAGGGAATGGGGGCTTTCAGAGGTGTCACTGGGCTGCACTGTTGAGGCTGTGTGC[A>C]TCAGTGGAGATGTGAGACCGAAAGAAATTATCCAGGACTTGCTGGCCCATGCGGGGCTTT-3'
Protein context (NP_001041639.1, residues 502-521): DNFFRSHIST[Asp512Glu]AHSLNSAAQ